The following is an entry in ClinVar:

ClinVar aggregate classification (germline): Likely benign. Review status: criteria provided, multiple submitters, no conflicts (2 of 4 stars). 3 submissions from 3 submitters: Likely benign (2). 1 of the submissions does not count toward it. Last evaluated 2024-07-11.

Conditions:
FLNB-related disorder. Also called: FLNB-related condition; FLNB-related disorders. Identifiers: MedGen CN381095.

Allele frequency attached by ClinVar (database versions not stated): gnomAD exomes 0.00004; ExAC 0.00006; gnomAD 0.00010; ESP Exome Variant Server 0.00022.
gnomAD v4.1: 78 of 1,536,158 alleles (0.0051%); highest among the groups gnomAD compares: Admixed American, 0.026%; no homozygotes.

Submissions (3):

Blueprint Genetics
Classification: Likely benign. Last evaluated: 2024-07-11. Review status: criteria provided, single submitter. Criteria: ACMG Guidelines, 2015. Collection method: clinical testing. Allele origin: germline.

CeGaT Center for Human Genetics Tuebingen
Classification: Likely benign. Last evaluated: 2022-07-01. Review status: criteria provided, single submitter. Criteria: CeGaT Center For Human Genetics Tuebingen Variant Classification Criteria Version 2. Collection method: clinical testing. Allele origin: germline. Affected: yes. Observed: 1 variant allele.
Comment: FLNB: BP4, BP7

PreventionGenetics, part of Exact Sciences
Classification: Likely benign for FLNB-related condition. Last evaluated: 2022-12-21. Review status: no assertion criteria provided. Collection method: clinical testing. Allele origin: germline. Not counted in ClinVar's aggregate classification.
Comment: This variant is classified as likely benign based on ACMG/AMP sequence variant interpretation guidelines (Richards et al. 2015 PMID: 25741868, with internal and published modifications).

NM_001457.4(FLNB):c.4391-877C>T

Gene: FLNB (filamin B; plus strand). Cytogenetic location: 3p14.3.
Variant type: single nucleotide variant.
Coding change: c.4391-877C>T on transcript NM_001457.4 (MANE Select); 877 bases into the intron before coding-DNA position 4391, C replaced by T.
Molecular consequence: intron variant. On other transcripts: synonymous variant (1).
Genome position (GRCh38, 1-based): chr3:58,131,931, C>T. VCF-style: chr3-58131931-C-T. GRCh37 (hg19) VCF-style: chr3-58117658-C-T.
Other names: c.4395C>T, p.Asp1465= (NM_001164317.2); c.4391-877C>T (NM_001164318.2, NM_001164319.2); c.4395C>T (NM_001164317.1).
Identifiers: ClinVar variation 2653915 (VCV002653915.26), dbSNP rs370251627, ClinGen allele CA2468749.